The following is an entry in ClinVar:

ClinVar aggregate classification (germline): Uncertain significance (1 of 4 stars; one submission).

Conditions:
Oligodontia-cancer predisposition syndrome. Also called: TOOTH AGENESIS-COLORECTAL CANCER SYNDROME. Identifiers: Orphanet 300576, MedGen C1837750, MONDO:0012075, OMIM 608615. Disease mechanism: loss of function.

Allele frequency attached by ClinVar (database versions not stated): gnomAD exomes below 0.00001.

Submission:

Labcorp Genetics (formerly Invitae), Labcorp
Classification: Uncertain significance for Oligodontia-cancer predisposition syndrome. Last evaluated: 2022-09-03. Review status: criteria provided, single submitter. Criteria: Invitae Variant Classification Sherloc (09022015). Collection method: clinical testing. Allele origin: germline.
Comment: In summary, the available evidence is currently insufficient to determine the role of this variant in disease. Therefore, it has been classified as a Variant of Uncertain Significance. Algorithms developed to predict the effect of missense changes on protein structure and function (SIFT, PolyPhen-2, Align-GVGD) all suggest that this variant is likely to be tolerated. This variant has not been reported in the literature in individuals affected with AXIN2-related conditions. This variant is not present in population databases (gnomAD no frequency). This sequence change replaces proline, which is neutral and non-polar, with leucine, which is neutral and non-polar, at codon 632 of the AXIN2 protein (p.Pro632Leu).

NM_004655.4(AXIN2):c.1895C>T (p.Pro632Leu)

Gene: AXIN2 (axin 2; minus strand). Cytogenetic location: 17q24.1.
Variant type: single nucleotide variant.
Coding change: c.1895C>T on transcript NM_004655.4 (MANE Select); coding-DNA position 1895, C replaced by T.
Protein change: p.Pro632Leu; replaces proline 632 with leucine.
Molecular consequence: missense variant. On other transcripts: intron variant (1).
Genome position (GRCh38, 1-based): chr17:65,536,881, G>A on the plus strand (C>T on the coding strand, the complement: AXIN2 is on the minus strand). VCF-style: chr17-65536881-G-A. GRCh37 (hg19) VCF-style: chr17-63532999-G-A.
Other names: c.1713-328C>T (NM_001363813.1); short protein forms P632L.
Identifiers: ClinVar variation 1718807 (VCV001718807.5), dbSNP rs2509406633, ClinGen allele CA400676392.
Genomic context (GRCh38, chr17:65,536,881, plus strand): 5'-TGAGTGCCCATGACCCTCGCGGCCGCGGCGGCGGCAAGCGGTGTTTACCTATGGGGCTTG[G>A]GCTTGCTCTGCCGCTCACTCTCCAGCATCCACTGCCAGACATCCTGCGACCTGTCTCCTT-3'
Protein context (NP_004646.3, residues 622-642): WMLESERQSK[Pro632Leu]KPHSAQSTKK